The following is an entry in ClinVar:

NM_006019.4(TCIRG1):c.301A>T (p.Thr101Ser)

Gene: TCIRG1 (T cell immune regulator 1, ATPase H+ transporting V0 subunit a3; plus strand). Cytogenetic location: 11q13.2.
Variant type: single nucleotide variant.
Coding change: c.301A>T on transcript NM_006019.4 (MANE Select); coding-DNA position 301, A replaced by T.
Protein change: p.Thr101Ser; replaces threonine 101 with serine.
Molecular consequence: missense variant. On other transcripts: 5 prime UTR variant (1), intron variant (1).
Genome position (GRCh38, 1-based): chr11:68,042,747, A>T. VCF-style: chr11-68042747-A-T. GRCh37 (hg19) VCF-style: chr11-67810214-A-T.
Other names: c.-949A>T (NM_001351059.2); c.301A>T, p.Thr101Ser (NM_001440552.1, NM_001440553.1, NM_001440554.1 and 9 more transcripts); c.259A>T, p.Thr87Ser (NM_001440555.1, NM_001440556.1, NM_001440563.1 and 2 more transcripts); c.118-199A>T (NM_001440565.1); short protein forms T101S, T87S.
Identifiers: ClinVar variation 4810896 (VCV004810896.1).

ClinVar aggregate classification (germline): Uncertain significance (1 of 4 stars; one submission).

Submission:

Labcorp Genetics (formerly Invitae), Labcorp
Classification: Uncertain significance. Last evaluated: 2025-05-11. Review status: criteria provided, single submitter. Criteria: Invitae Variant Classification Sherloc (09022015). Collection method: clinical testing. Allele origin: germline.
Comment: This sequence change replaces threonine, which is neutral and polar, with serine, which is neutral and polar, at codon 101 of the TCIRG1 protein (p.Thr101Ser). This variant is not present in population databases (gnomAD no frequency). This variant has not been reported in the literature in individuals affected with TCIRG1-related conditions. Invitae Evidence Modeling of protein sequence and biophysical properties (such as structural, functional, and spatial information, amino acid conservation, physicochemical variation, residue mobility, and thermodynamic stability) indicates that this missense variant is not expected to disrupt TCIRG1 protein function with a negative predictive value of 80%. In summary, the available evidence is currently insufficient to determine the role of this variant in disease. Therefore, it has been classified as a Variant of Uncertain Significance.